The following is an entry in ClinVar:

NM_000541.5(SAG):c.145G>A (p.Val49Met)

Gene: SAG (S-antigen visual arrestin; plus strand). Cytogenetic location: 2q37.1.
Variant type: single nucleotide variant.
Coding change: c.145G>A on transcript NM_000541.5 (MANE Select); coding-DNA position 145, G replaced by A.
Protein change: p.Val49Met; replaces valine 49 with methionine.
Molecular consequence: missense variant.
Genome position (GRCh38, 1-based): chr2:233,318,759, G>A. VCF-style: chr2-233318759-G-A. GRCh37 (hg19) VCF-style: chr2-234227405-G-A.
Other names: short protein forms V49M.
Identifiers: ClinVar variation 850148 (VCV000850148.13), dbSNP rs151281271, ClinGen allele CA2174234.

ClinVar aggregate classification (germline): Uncertain significance. Review status: criteria provided, multiple submitters, no conflicts (2 of 4 stars). 5 submissions from 5 submitters: Uncertain significance (5). Last evaluated 2026-06-03.

Conditions:
Inborn genetic diseases. Identifiers: MedGen C0950123, MeSH D030342.
SAG-related disorder. Also called: SAG-related disorders; SAG-related condition.

Allele frequency attached by ClinVar (database versions not stated): TOPMed 0.00007; ESP Exome Variant Server 0.00008; 1000 Genomes Project 30x 0.00016; 1000 Genomes Project 0.00020.
gnomAD v4.1: 208 of 1,613,790 alleles (0.013%); highest among the groups gnomAD compares: Middle Eastern, 0.033%; no homozygotes.

Submissions (5):

PreventionGenetics, part of Exact Sciences
Classification: Uncertain significance for SAG-related condition. Last evaluated: 2026-06-03. Review status: criteria provided, single submitter. Criteria: ACMG Guidelines, 2015. Collection method: clinical testing. Allele origin: germline.
Comment: The SAG c.145G>A variant is predicted to result in the amino acid substitution p.Val49Met. To our knowledge, this variant has not been reported in the literature. This variant is reported in 0.029% of alleles in individuals of European (Non-Finnish) descent in gnomAD. At this time, the clinical significance of this variant is uncertain due to the absence of conclusive functional and genetic evidence.

Labcorp Genetics (formerly Invitae), Labcorp
Classification: Uncertain significance. Last evaluated: 2025-11-24. Review status: criteria provided, single submitter. Criteria: Invitae Variant Classification Sherloc (09022015). Collection method: clinical testing. Allele origin: germline.
Comment: This sequence change replaces valine, which is neutral and non-polar, with methionine, which is neutral and non-polar, at codon 49 of the SAG protein (p.Val49Met). This variant is present in population databases (rs151281271, gnomAD 0.03%). This variant has not been reported in the literature in individuals affected with SAG-related conditions. ClinVar contains an entry for this variant (Variation ID: 850148). Invitae Evidence Modeling of protein sequence and biophysical properties (such as structural, functional, and spatial information, amino acid conservation, physicochemical variation, residue mobility, and thermodynamic stability) has been performed for this missense variant. However, the output from this modeling did not meet the statistical confidence thresholds required to predict the impact of this variant on SAG protein function. In summary, the available evidence is currently insufficient to determine the role of this variant in disease. Therefore, it has been classified as a Variant of Uncertain Significance.

Blueprint Genetics
Classification: Uncertain significance. Last evaluated: 2024-11-25. Review status: criteria provided, single submitter. Criteria: ACMG Guidelines, 2015. Collection method: clinical testing. Allele origin: germline.

Ambry Genetics
Classification: Uncertain significance for Inborn genetic diseases. Last evaluated: 2024-08-27. Review status: criteria provided, single submitter. Criteria: Ambry Variant Classification Scheme 2023. Collection method: clinical testing. Allele origin: germline.

GeneDx
Classification: Uncertain significance. Last evaluated: 2024-01-04. Review status: criteria provided, single submitter. Criteria: GeneDx Variant Classification Process June 2021. Collection method: clinical testing. Allele origin: germline. Affected: yes.
Comment: In silico analysis supports that this missense variant has a deleterious effect on protein structure/function; Has not been previously published as pathogenic or benign to our knowledge